The following is an entry in ClinVar:

NM_020738.4(KIDINS220):c.4658C>T (p.Pro1553Leu)

Gene: KIDINS220 (kinase D interacting substrate 220; minus strand). Cytogenetic location: 2p25.1.
Variant type: single nucleotide variant.
Coding change: c.4658C>T on transcript NM_020738.4 (MANE Select); coding-DNA position 4658, C replaced by T.
Protein change: p.Pro1553Leu; replaces proline 1553 with leucine.
Molecular consequence: missense variant. On other transcripts: intron variant (6).
Genome position (GRCh38, 1-based): chr2:8,731,378, G>A on the plus strand (C>T on the coding strand, the complement: KIDINS220 is on the minus strand). VCF-style: chr2-8731378-G-A. GRCh37 (hg19) VCF-style: chr2-8871508-G-A.
Other names: c.4661C>T, p.Pro1554Leu (NM_001348729.2); c.4604C>T, p.Pro1535Leu (NM_001348731.2); c.4601C>T, p.Pro1534Leu (NM_001348732.2); c.4490C>T, p.Pro1497Leu (NM_001348734.2); c.4487C>T, p.Pro1496Leu (NM_001348735.2); c.4361C>T, p.Pro1454Leu (NM_001348736.2); c.3882+2066C>T (NM_001348741.2, NM_001348742.2, NM_001348743.2); c.3996+2066C>T (NM_001348738.2); and 2 more; short protein forms P1454L, P1553L, P1554L, P1534L, P1496L, P1535L, P1497L.
Identifiers: ClinVar variation 1522195 (VCV001522195.12), dbSNP rs76169344, ClinGen allele CA1519333.

ClinVar aggregate classification (germline): Conflicting classifications of pathogenicity. Review status: criteria provided, conflicting classifications (1 of 4 stars). 4 submissions from 4 submitters: Uncertain significance (2); Likely benign (1). 1 of the submissions does not count toward it. Last evaluated 2026-09-01.

Conditions:
Inborn genetic diseases. Identifiers: MedGen C0950123, MeSH D030342.
KIDINS220-related disorder. Also called: KIDINS220-related condition.

Allele frequency attached by ClinVar (database versions not stated): gnomAD 0.00001 and 0.00003; TOPMed 0.00003; gnomAD exomes 0.00005; ExAC 0.00008; 1000 Genomes Project 30x 0.00031; 1000 Genomes Project 0.00040.
gnomAD v4.1: 98 of 1,614,142 alleles (0.0061%); highest among the groups gnomAD compares: South Asian, 0.014%; no homozygotes.

Submissions (4):

CeGaT Center for Human Genetics Tuebingen
Classification: Likely benign. Last evaluated: 2026-09-01. Review status: criteria provided, single submitter. Criteria: CeGaT Center For Human Genetics Tuebingen Variant Classification Criteria Version 2. Collection method: clinical testing. Allele origin: germline. Affected: yes. Observed: 1 variant allele.
Comment: KIDINS220: BP4

Ambry Genetics
Classification: Uncertain significance for Inborn genetic diseases. Last evaluated: 2025-06-03. Review status: criteria provided, single submitter. Criteria: Ambry Variant Classification Scheme 2023. Collection method: clinical testing. Allele origin: germline.

Labcorp Genetics (formerly Invitae), Labcorp
Classification: Uncertain significance. Last evaluated: 2025-05-02. Review status: criteria provided, single submitter. Criteria: Invitae Variant Classification Sherloc (09022015). Collection method: clinical testing. Allele origin: germline.
Comment: This sequence change replaces proline, which is neutral and non-polar, with leucine, which is neutral and non-polar, at codon 1553 of the KIDINS220 protein (p.Pro1553Leu). This variant is present in population databases (rs76169344, gnomAD 0.02%). This variant has not been reported in the literature in individuals affected with KIDINS220-related conditions. ClinVar contains an entry for this variant (Variation ID: 1522195). An algorithm developed to predict the effect of missense changes on protein structure and function outputs the following: PolyPhen-2: "Benign". The leucine amino acid residue is found in multiple mammalian species, which suggests that this missense change does not adversely affect protein function. In summary, the available evidence is currently insufficient to determine the role of this variant in disease. Therefore, it has been classified as a Variant of Uncertain Significance.

PreventionGenetics, part of Exact Sciences
Classification: Uncertain significance for KIDINS220-related condition. Last evaluated: 2024-06-06. Review status: no assertion criteria provided. Collection method: clinical testing. Allele origin: germline. Not counted in ClinVar's aggregate classification.
Comment: The KIDINS220 c.4658C>T variant is predicted to result in the amino acid substitution p.Pro1553Leu. To our knowledge, this variant has not been reported in the literature. This variant is reported in 0.016% of alleles in individuals of South Asian descent in gnomAD, which may be too common to be an undocumented primary cause of an autosomal dominant disease. At this time, the clinical significance of this variant is uncertain due to the absence of conclusive functional and genetic evidence.